The following is an entry in ClinVar:

NM_001166108.2(PALLD):c.163A>G (p.Thr55Ala)

Gene: PALLD (palladin, cytoskeletal associated protein; plus strand). Cytogenetic location: 4q32.3.
Variant type: single nucleotide variant.
Coding change: c.163A>G on transcript NM_001166108.2 (MANE Select); coding-DNA position 163, A replaced by G.
Protein change: p.Thr55Ala; replaces threonine 55 with alanine.
Molecular consequence: missense variant.
Genome position (GRCh38, 1-based): chr4:168,511,667, A>G. VCF-style: chr4-168511667-A-G. GRCh37 (hg19) VCF-style: chr4-169432818-A-G.
Other names: c.163A>G, p.Thr55Ala (NM_016081.4); short protein forms T55A.
Identifiers: ClinVar variation 2448492 (VCV002448492.2), dbSNP rs559411263, ClinGen allele CA3135305.
Genomic context (GRCh38, chr4:168,511,667, plus strand): 5'-AGCCAGGAAGAGATAAACAAGAGTCTTGACCTGGCCCGGAGAGCCATAGCCGACTCCGAA[A>G]CAGAAGATTTTGACTCGGAAAAGGAGATCTCGCAGATTTTCAGTACTTCTCCTGCAAGCC-3'
Protein context (NP_001159580.1, residues 45-65): LARRAIADSE[Thr55Ala]EDFDSEKEIS

ClinVar aggregate classification (germline): Uncertain significance (1 of 4 stars; one submission).

Allele frequency attached by ClinVar (database versions not stated): TOPMed below 0.00001; ExAC 0.00001; gnomAD 0.00001; gnomAD exomes 0.00001; 1000 Genomes Project 30x 0.00016; 1000 Genomes Project 0.00020.
gnomAD v4.1: 17 of 1,614,176 alleles (0.0011%); highest among the groups gnomAD compares: South Asian, 0.0022%; no homozygotes.

Submission:

Ambry Genetics
Classification: Uncertain significance. Last evaluated: 2023-02-10. Review status: criteria provided, single submitter. Criteria: Ambry Variant Classification Scheme 2023. Collection method: clinical testing. Allele origin: germline.
Comment: The p.T55A variant (also known as c.163A>G), located in coding exon 1 of the PALLD gene, results from an A to G substitution at nucleotide position 163. The threonine at codon 55 is replaced by alanine, an amino acid with similar properties. This amino acid position is conserved. In addition, this alteration is predicted to be tolerated by in silico analysis. Since supporting evidence is limited at this time, the clinical significance of this alteration remains unclear.